The following is an entry in ClinVar:

ClinVar aggregate classification (germline): Likely benign. Review status: criteria provided, multiple submitters, no conflicts (2 of 4 stars). 4 submissions from 4 submitters: Likely benign (4). Last evaluated 2026-01-06.

Conditions:
Osteogenesis imperfecta type I (OI1). Also called: Lobstein's Disease; OI, TYPE I; OSTEOGENESIS IMPERFECTA TARDA; OSTEOGENESIS IMPERFECTA WITH BLUE SCLERAE; Classic Non-deforming Osteogenesis Imperfecta with Blue Sclerae; Lobstein disease. Identifiers: Orphanet 216796, Orphanet 666, MedGen C0023931, MONDO:0008146, OMIM 166200. Disease mechanism: loss of function.

Allele frequency attached by ClinVar (database versions not stated): gnomAD exomes 0.00006; ExAC 0.00008; gnomAD 0.00008 and 0.00009; TOPMed 0.00011; ESP Exome Variant Server 0.00015; 1000 Genomes Project 0.00020; 1000 Genomes Project 30x 0.00031.
gnomAD v4.1: 138 of 1,613,960 alleles (0.0086%); highest among the groups gnomAD compares: African/African-American, 0.027%; no homozygotes.

Submissions (4):

Labcorp Genetics (formerly Invitae), Labcorp
Classification: Likely benign for Osteogenesis imperfecta type I. Last evaluated: 2026-01-06. Review status: criteria provided, single submitter. Criteria: Invitae Variant Classification Sherloc (09022015). Collection method: clinical testing. Allele origin: germline.

Blueprint Genetics
Classification: Likely benign. Last evaluated: 2024-09-06. Review status: criteria provided, single submitter. Criteria: ACMG Guidelines, 2015. Collection method: clinical testing. Allele origin: germline.

ARUP Laboratories, Molecular Genetics and Genomics, ARUP Laboratories
Classification: Likely benign. Last evaluated: 2020-08-31. Review status: criteria provided, single submitter. Criteria: ARUP Molecular Germline Variant Investigation Process. Collection method: clinical testing. Allele origin: germline.

GeneDx
Classification: Likely benign. Last evaluated: 2017-11-27. Review status: criteria provided, single submitter. Criteria: GeneDx Variant Classification (06012015). Collection method: clinical testing. Allele origin: germline. Affected: yes.
Comment: This variant is considered likely benign or benign based on one or more of the following criteria: it is a conservative change, it occurs at a poorly conserved position in the protein, it is predicted to be benign by multiple in silico algorithms, and/or has population frequency not consistent with disease.

NM_000088.4(COL1A1):c.588+15C>T

Gene: COL1A1 (collagen type I alpha 1 chain; minus strand). Cytogenetic location: 17q21.33.
Variant type: single nucleotide variant.
Coding change: c.588+15C>T on transcript NM_000088.4 (MANE Select); 15 bases into the intron after coding-DNA position 588, C replaced by T.
Molecular consequence: intron variant.
Genome position (GRCh38, 1-based): chr17:50,198,146, G>A on the plus strand (C>T on the coding strand, the complement: COL1A1 is on the minus strand). VCF-style: chr17-50198146-G-A. GRCh37 (hg19) VCF-style: chr17-48275507-G-A.
Identifiers: ClinVar variation 513546 (VCV000513546.18), dbSNP rs371817394, ClinGen allele CA8645657.